The following is an entry in ClinVar:

ClinVar aggregate classification (germline): Uncertain significance (1 of 4 stars; one submission).

Conditions:
Bethlem myopathy 1A. Also called: MYOPATHY, BENIGN CONGENITAL, WITH CONTRACTURES; Bethlem Muscular Dystrophy; Bethlem myopathy 1. Identifiers: Orphanet 610, MedGen CN029274, MONDO:0024530, OMIM 158810.

gnomAD v4.1: 1 of 1,606,562 alleles (0.000062%); highest among the groups gnomAD compares: Non-Finnish European, 0.000085%; no homozygotes.

Submission:

Labcorp Genetics (formerly Invitae), Labcorp
Classification: Uncertain significance for Bethlem myopathy 1A. Last evaluated: 2022-04-12. Review status: criteria provided, single submitter. Criteria: Invitae Variant Classification Sherloc (09022015). Collection method: clinical testing. Allele origin: germline.
Comment: This sequence change replaces phenylalanine, which is neutral and non-polar, with leucine, which is neutral and non-polar, at codon 789 of the COL6A2 protein (p.Phe789Leu). This variant is not present in population databases (gnomAD no frequency). In summary, the available evidence is currently insufficient to determine the role of this variant in disease. Therefore, it has been classified as a Variant of Uncertain Significance. Advanced modeling of protein sequence and biophysical properties (such as structural, functional, and spatial information, amino acid conservation, physicochemical variation, residue mobility, and thermodynamic stability) performed at Invitae indicates that this missense variant is not expected to disrupt COL6A2 protein function. This variant has not been reported in the literature in individuals affected with COL6A2-related conditions.

NM_001849.4(COL6A2):c.2367C>G (p.Phe789Leu)

Gene: COL6A2 (collagen type VI alpha 2 chain; plus strand). Cytogenetic location: 21q22.3.
Variant type: single nucleotide variant.
Coding change: c.2367C>G on transcript NM_001849.4 (MANE Select); coding-DNA position 2367, C replaced by G.
Protein change: p.Phe789Leu; replaces phenylalanine 789 with leucine.
Molecular consequence: missense variant.
Genome position (GRCh38, 1-based): chr21:46,126,182, C>G. VCF-style: chr21-46126182-C-G. GRCh37 (hg19) VCF-style: chr21-47546096-C-G.
Other names: c.2367C>G, p.Phe789Leu (NM_058174.3, NM_058175.3); short protein forms F789L.
Identifiers: ClinVar variation 2038323 (VCV002038323.4), dbSNP rs775201159, ClinGen allele CA410542816.
Genomic context (GRCh38, chr21:46,126,182, plus strand): 5'-TGAAAACCTCTACTCCATCGCCTGCGACAAGCCACAGCAGGTGCGCAACATGACGCTGTT[C>G]TCCGACCTGGTCGCTGAGAAGTTCATCGATGACATGGAGGACGTCCTCTGCCCGGGTGAG-3'
Protein context (NP_001840.3, residues 779-799): KPQQVRNMTL[Phe789Leu]SDLVAEKFID